The following is an entry in ClinVar:

NM_152383.5(DIS3L2):c.2450C>T (p.Thr817Met)

Gene: DIS3L2 (DIS3 like 3'-5' exoribonuclease 2; plus strand). Cytogenetic location: 2q37.1.
Variant type: single nucleotide variant.
Coding change: c.2450C>T on transcript NM_152383.5 (MANE Select); coding-DNA position 2450, C replaced by T.
Protein change: p.Thr817Met; replaces threonine 817 with methionine.
Molecular consequence: missense variant. On other transcripts: non-coding transcript variant (2), intron variant (1).
Genome position (GRCh38, 1-based): chr2:232,335,828, C>T. VCF-style: chr2-232335828-C-T. GRCh37 (hg19) VCF-style: chr2-233200538-C-T.
Other names: c.1582-7517C>T (NM_001257281.2); short protein forms T817M.
Identifiers: ClinVar variation 410769 (VCV000410769.11), dbSNP rs376816858, ClinGen allele CA2164551.

ClinVar aggregate classification (germline): Uncertain significance. Review status: criteria provided, multiple submitters, no conflicts (2 of 4 stars). 2 submissions from 2 submitters: Uncertain significance (2). Last evaluated 2025-01-06.

Conditions:
Perlman syndrome (PRLMNS). Identifiers: Orphanet 2849, MedGen C0796113, MONDO:0009965, OMIM 267000.

Allele frequency attached by ClinVar (database versions not stated): gnomAD 0.00001 and 0.00004; TOPMed 0.00002; 1000 Genomes Project 30x 0.00016; 1000 Genomes Project 0.00020.
gnomAD v4.1: 70 of 1,550,920 alleles (0.0045%); highest among the groups gnomAD compares: Middle Eastern, 0.034%; no homozygotes.

Submissions (2):

Labcorp Genetics (formerly Invitae), Labcorp
Classification: Uncertain significance for Perlman syndrome. Last evaluated: 2025-01-06. Review status: criteria provided, single submitter. Criteria: Invitae Variant Classification Sherloc (09022015). Collection method: clinical testing. Allele origin: germline.
Comment: This sequence change replaces threonine, which is neutral and polar, with methionine, which is neutral and non-polar, at codon 817 of the DIS3L2 protein (p.Thr817Met). This variant is present in population databases (rs376816858, gnomAD 0.04%). This variant has not been reported in the literature in individuals affected with DIS3L2-related conditions. ClinVar contains an entry for this variant (Variation ID: 410769). An algorithm developed to predict the effect of missense changes on protein structure and function outputs the following: PolyPhen-2: "Benign". The methionine amino acid residue is found in multiple mammalian species, which suggests that this missense change does not adversely affect protein function. In summary, the available evidence is currently insufficient to determine the role of this variant in disease. Therefore, it has been classified as a Variant of Uncertain Significance.

Baylor Genetics
Classification: Uncertain significance for Perlman syndrome. Last evaluated: 2019-08-24. Review status: criteria provided, single submitter. Criteria: ACMG Guidelines, 2015. Collection method: clinical testing. Allele origin: unknown. Affected: yes. Study: CSER-TexasKidsCanSeq.
Comment: This variant was determined to be of uncertain significance according to ACMG Guidelines, 2015 [PMID:25741868].